The following is an entry in ClinVar:

ClinVar aggregate classification (germline): Pathogenic (1 of 4 stars; one submission).

Conditions:
Granulomatous disease, chronic, autosomal recessive, cytochrome b-positive, type 2. Also called: CGD, AUTOSOMAL RECESSIVE CYTOCHROME b-POSITIVE, TYPE II; Chronic Granulomatous Disease, Autosomal Recessive, Cytochrome b-Positive, Type II; GRANULOMATOUS DISEASE, CHRONIC, DUE TO NCF2 DEFICIENCY; GRANULOMATOUS DISEASE, CHRONIC, AUTOSOMAL RECESSIVE, 2; Chronic granulomatous disease due to deficiency of NCF-2. Identifiers: Orphanet 379, MedGen C1856245, MONDO:0009310, OMIM 233710.

Submission:

Labcorp Genetics (formerly Invitae), Labcorp
Classification: Pathogenic for Granulomatous disease, chronic, autosomal recessive, cytochrome b-positive, type 2. Last evaluated: 2023-04-09. Review status: criteria provided, single submitter. Criteria: Invitae Variant Classification Sherloc (09022015). Collection method: clinical testing. Allele origin: unknown.
Comment: For these reasons, this variant has been classified as Pathogenic. A similar copy number variant has been observed in individual(s) with chronic granulomatous disease (PMID: 23264412). This variant is a gross deletion of the genomic region encompassing exon(s) 2 of the NCF2 gene. This deletion is out-of-frame, and is expected to create a premature termination codon and result in an absent or disrupted protein product. Loss-of-function variants in NCF2 are known to be pathogenic (PMID: 10498624, 20167518).

Literature cited by the submitters: PubMed 23264412; PubMed 10498624; PubMed 20167518.

NC_000001.10:g.(?_183556010)_(183556132_?)del

Gene: NCF2 (neutrophil cytosolic factor 2; minus strand). Cytogenetic location: 1q25.3.
Variant type: Deletion.
Identifiers: ClinVar variation 3247766 (VCV003247766.1).